The following is an entry in ClinVar:

ClinVar aggregate classification (germline): Pathogenic/Likely pathogenic. Review status: criteria provided, multiple submitters, no conflicts (2 of 4 stars). 11 submissions from 11 submitters: Pathogenic (4); Likely pathogenic (5). 2 of the submissions do not count toward it. Last evaluated 2026-01-28.

Conditions:
PEPD-related disorder. Also called: PEPD-related condition.
Prolidase deficiency. Identifiers: Orphanet 742, MedGen C0268532, MONDO:0008221, OMIM 170100.

Submissions (11):

Labcorp Genetics (formerly Invitae), Labcorp
Classification: Pathogenic. Last evaluated: 2026-01-28. Review status: criteria provided, single submitter. Criteria: Invitae Variant Classification Sherloc (09022015). Collection method: clinical testing. Allele origin: germline.
Comment: This variant, c.692_694del, results in the deletion of 1 amino acid(s) of the PEPD protein (p.Tyr231del), but otherwise preserves the integrity of the reading frame. This variant is present in population databases (rs745834191, gnomAD 0.03%). This variant has been observed in individual(s) with prolidase deficiency (PMID: 15309682, 33877262, 34040193). ClinVar contains an entry for this variant (Variation ID: 328810). Algorithms developed to predict the effect of variants on gene product structure and function are not available or were not evaluated for this variant. Experimental studies have shown that this variant affects PEPD function (PMID: 23516557). For these reasons, this variant has been classified as Pathogenic.

GeneDx
Classification: Pathogenic. Last evaluated: 2025-07-18. Review status: criteria provided, single submitter. Criteria: GeneDx Variant Classification Process June 2021. Collection method: clinical testing. Allele origin: germline.
Comment: Published functional studies demonstrate that this variant significantly reduces enzyme activity compared to wildtype (PMID: 15309682, 23516557); In-frame deletion of 1 amino acid(s) in a non-repeat region; In silico analysis supports a deleterious effect on protein structure/function; This variant is associated with the following publications: (PMID: 23516557, 33877262, 15309682)

Genomic Medicine Center of Excellence, King Faisal Specialist Hospital and Research Centre
Classification: Pathogenic for Prolidase deficiency. Last evaluated: 2024-12-18. Review status: criteria provided, single submitter. Criteria: ACMG Guidelines, 2015. Collection method: clinical testing. Allele origin: germline.

Blueprint Genetics
Classification: Likely pathogenic for PEPD-related disorders. Last evaluated: 2024-11-07. Review status: criteria provided, single submitter. Criteria: ACMG Guidelines, 2015. Collection method: clinical testing. Allele origin: germline. Affected: yes. Observed: 5 variant alleles.

Fulgent Genetics
Classification: Likely pathogenic for Prolidase deficiency. Last evaluated: 2024-03-29. Review status: criteria provided, single submitter. Criteria: ACMG Guidelines, 2015. Collection method: clinical testing. Allele origin: germline.

Department of Pathology and Laboratory Medicine, Sinai Health System
Classification: Likely pathogenic for Prolidase deficiency. Last evaluated: 2023-04-04. Review status: criteria provided, single submitter. Criteria: ACMG Guidelines, 2015. Collection method: research. Allele origin: germline.

Laboratorio de Genetica e Diagnostico Molecular, Hospital Israelita Albert Einstein
Classification: Likely pathogenic for Prolidase deficiency. Last evaluated: 2021-04-20. Review status: criteria provided, single submitter. Criteria: ACMG Guidelines, 2015. Collection method: clinical testing. Allele origin: germline. Affected: yes.
Comment: ACMG classification criteria: PS3 supporting, PS4 supporting, PM2, PM3, PM4

Mendelics
Classification: Pathogenic. Last evaluated: 2019-05-28. Review status: criteria provided, single submitter. Criteria: Mendelics Assertion Criteria 2017. Collection method: clinical testing. Allele origin: unknown.

Illumina Laboratory Services, Illumina
Classification: Likely pathogenic for Prolidase deficiency. Last evaluated: 2017-04-27. Review status: criteria provided, single submitter. Criteria: ICSL Variant Classification Criteria 09 May 2019. Collection method: clinical testing. Allele origin: germline.
Comment: The PEPD c.692_694delACT (p.Tyr231del) variant is reported in one study in which it is found in two unrelated Portuguese individuals with prolidase deficiency in a homozygous state (Lupi et al. 2004). Control data are unavailable for this variant which is reported at a frequency of 0.00044 in the European (non-Finnish) population of the Exome Aggregation Consortium. Functional studies in cultured fibroblasts from these two individuals showed significantly decreased prolidase enzyme expression and activity compared to control fibroblasts (Lupi et al. 2004; Besio et al. 2013). Besio et al. (2013) demonstrated the variant resulted in reduced thermal stability, low catalytic efficiency and impaired Mn(II) cofactor binding of PEPD. Based on the evidence, the p.Tyr231del variant is classified as likely pathogenic for prolidase deficiency. This variant was observed by ICSL as part of a predisposition screen in an ostensibly healthy population.

PreventionGenetics, part of Exact Sciences
Classification: Likely pathogenic for PEPD-related condition. Last evaluated: 2024-08-08. Review status: no assertion criteria provided. Collection method: clinical testing. Allele origin: germline. Not counted in ClinVar's aggregate classification.
Comment: The PEPD c.692_694delACT variant is predicted to result in an in-frame deletion (p.Tyr231del). This variant has been reported in the homozygous state in patients with prolidase deficiency (described as Y231del in Lupi et al. 2004. PubMed ID: 15309682). This variant has also been reported in the compound heterozygous state in another patient with prolidase deficiency, however this patient also had a second PEPD variant present in cis with the c.692_694delACT (p.Tyr231del) variant (Linhares et al. 2021. PubMed ID: 33877262). Prolidase activity was significantly reduced in patient fibroblasts carrying the homozygous p.Tyr231del variant, and recombinant p.Tyr231del protein showed loss of catalytic efficiency, thermal instability, and changes in protein confirmation (described as 231delY in Besio et al. 2013. PubMed ID: 23516557). This variant is reported in 0.035% of alleles in individuals of Latino descent in gnomAD. Taken together, we interpret as likely pathogenic.

OMIM
Classification: Pathogenic for PROLIDASE DEFICIENCY. Last evaluated: 2004-01-01. Review status: no assertion criteria provided. Collection method: literature only. Allele origin: germline. Not counted in ClinVar's aggregate classification.

Literature cited by the submitters: PubMed 15309682 (cited by 3 submitters); PubMed 33877262 (cited by Labcorp Genetics (formerly Invitae), Labcorp); PubMed 34040193 (cited by Labcorp Genetics (formerly Invitae), Labcorp); PubMed 23516557 (cited by Labcorp Genetics (formerly Invitae), Labcorp and Illumina Laboratory Services, Illumina).

NM_000285.4(PEPD):c.692_694del (p.Tyr231del)

Gene: PEPD (peptidase D; minus strand). Cytogenetic location: 19q13.11.
Variant type: Deletion.
Coding change: c.692_694del on transcript NM_000285.4 (MANE Select); coding-DNA positions 692 to 694, 3 bases deleted (ACT; older notation c.692_694delACT).
Protein change: p.Tyr231del; deletes tyrosine 231.
Molecular consequence: inframe deletion.
Genome position (GRCh38, 1-based): chr19:33,413,621-33,413,623, AGT deleted on the plus strand (ACT on the coding strand, the reverse complement: PEPD is on the minus strand); deleting any 3 consecutive bases within chr19:33,413,621-33,413,625 gives the same sequence; the c. name uses the placement nearest the transcript's 3' end. VCF-style (leftmost placement, unchanged base first): chr19-33413620-GAGT-G. GRCh37 (hg19) VCF-style: chr19-33904526-GAGT-G.
Other names: c.569_571del, p.Tyr190del (NM_001166056.2); c.500_502del, p.Tyr167del (NM_001166057.2); c.692_694delACT (NM_000285.3); c.692_694del (NM_000285.3); short protein forms Y231del, Y167del, Y190del.
Identifiers: ClinVar variation 328810 (VCV000328810.20), dbSNP rs745834191, ClinGen allele CA214911.